The following is an entry in ClinVar:

ClinVar aggregate classification (germline): Benign. Review status: criteria provided, multiple submitters, no conflicts (2 of 4 stars). 3 submissions from 3 submitters: Benign (3). Last evaluated 2023-03-28.

Allele frequency attached by ClinVar (database versions not stated): 1000 Genomes Project 0.01458; 1000 Genomes Project 30x 0.01608; TOPMed 0.01544; ESP Exome Variant Server 0.01630.
gnomAD v4.1: 3,984 of 1,613,774 alleles (0.25%); highest among the groups gnomAD compares: African/African-American, 4.7%; 92 homozygotes.

Submissions (3):

Mayo Clinic Laboratories, Mayo Clinic
Classification: Benign. Last evaluated: 2023-03-28. Review status: criteria provided, single submitter. Criteria: ACMG Guidelines, 2015. Collection method: clinical testing. Allele origin: germline. Observed: 4 variant alleles.
Comment: BS1, BS2, BP4

Labcorp Genetics (formerly Invitae), Labcorp
Classification: Benign. Last evaluated: 2018-03-29. Review status: criteria provided, single submitter. Criteria: Invitae Variant Classification Sherloc (09022015). Collection method: clinical testing. Allele origin: germline.

Breakthrough Genomics
Classification: Benign. Review status: criteria provided, single submitter. Criteria: ACMG Guidelines, 2015. Collection method: not provided. Allele origin: germline. Inheritance: Autosomal recessive inheritance. Affected: yes.

NM_198565.3(NRROS):c.1888G>A (p.Val630Met)

Gene: NRROS (negative regulator of reactive oxygen species; plus strand). Cytogenetic location: 3q29.
Variant type: single nucleotide variant.
Coding change: c.1888G>A on transcript NM_198565.3 (MANE Select); coding-DNA position 1888, G replaced by A.
Protein change: p.Val630Met; replaces valine 630 with methionine.
Molecular consequence: missense variant.
Genome position (GRCh38, 1-based): chr3:196,661,531, G>A. VCF-style: chr3-196661531-G-A. GRCh37 (hg19) VCF-style: chr3-196388402-G-A.
Other names: p.Val630Met; short protein forms V630M.
Identifiers: ClinVar variation 709675 (VCV000709675.5), dbSNP rs78670696, ClinGen allele CA2782004.